The following is an entry in ClinVar:

ClinVar aggregate classification (germline): Likely benign (0 of 4 stars; one submission).

Conditions:
TALDO1-related disorder. Also called: TALDO1-related condition.

Allele frequency attached by ClinVar (database versions not stated): ExAC 0.00001; gnomAD 0.00001; gnomAD exomes 0.00001.
gnomAD v4.1: 7 of 1,613,934 alleles (0.00043%); highest among the groups gnomAD compares: Admixed American, 0.012%; no homozygotes.

Submission:

PreventionGenetics, part of Exact Sciences
Classification: Likely benign for TALDO1-related condition. Last evaluated: 2023-06-20. Review status: no assertion criteria provided. Collection method: clinical testing. Allele origin: germline.
Comment: This variant is classified as likely benign based on ACMG/AMP sequence variant interpretation guidelines (Richards et al. 2015 PMID: 25741868, with internal and published modifications).

NM_006755.2(TALDO1):c.696T>C (p.Ile232=)

Gene: TALDO1 (transaldolase 1; plus strand). Cytogenetic location: 11p15.5.
Variant type: single nucleotide variant.
Coding change: c.696T>C on transcript NM_006755.2 (MANE Select); coding-DNA position 696, T replaced by C.
Protein change: p.Ile232=; no amino-acid change (isoleucine 232 retained).
Molecular consequence: synonymous variant.
Genome position (GRCh38, 1-based): chr11:763,805, T>C. VCF-style: chr11-763805-T-C. GRCh37 (hg19) VCF-style: chr11-763805-T-C.
Identifiers: ClinVar variation 3051240 (VCV003051240.2), dbSNP rs756716349, ClinGen allele CA5788267.